The following is an entry in ClinVar:

ClinVar aggregate classification (germline): Uncertain significance. Review status: criteria provided, multiple submitters, no conflicts (2 of 4 stars). 2 submissions from 2 submitters: Uncertain significance (2). Last evaluated 2026-05-03.

Conditions:
Developmental and epileptic encephalopathy, 33 (DEE33). Also called: Epileptic encephalopathy, early infantile, 33. Identifiers: Orphanet 442835, MedGen C4225337, MONDO:0014625, OMIM 616409.

Submissions (2):

GeneDx
Classification: Uncertain significance. Last evaluated: 2026-05-03. Review status: criteria provided, single submitter. Criteria: GeneDx Variant Classification Process June 2021. Collection method: clinical testing. Allele origin: germline.
Comment: Observed in one patient from a cohort of adults with developmental and epileptic encephalopathies who underwent exome sequencing (PMID: 32725632); Not observed at significant frequency in large population cohorts (gnomAD); In silico analysis supports that this missense variant has a deleterious effect on protein structure/function; This variant is associated with the following publications: (PMID: 32725632)

Labcorp Genetics (formerly Invitae), Labcorp
Classification: Uncertain significance for Developmental and epileptic encephalopathy, 33. Last evaluated: 2026-01-11. Review status: criteria provided, single submitter. Criteria: Invitae Variant Classification Sherloc (09022015). Collection method: clinical testing. Allele origin: germline.
Comment: This sequence change replaces arginine, which is basic and polar, with cysteine, which is neutral and slightly polar, at codon 166 of the EEF1A2 protein (p.Arg166Cys). This variant is not present in population databases (gnomAD no frequency). This missense change has been observed in individual(s) with developmental and epileptic encephalopathies (PMID: 32725632). ClinVar contains an entry for this variant (Variation ID: 2780449). Invitae Evidence Modeling of protein sequence and biophysical properties (such as structural, functional, and spatial information, amino acid conservation, physicochemical variation, residue mobility, and thermodynamic stability) indicates that this missense variant is expected to disrupt EEF1A2 protein function with a positive predictive value of 80%. In summary, the available evidence is currently insufficient to determine the role of this variant in disease. Therefore, it has been classified as a Variant of Uncertain Significance.

Literature cited by the submitters: PubMed 32725632 (cited by Labcorp Genetics (formerly Invitae), Labcorp).

NM_001958.5(EEF1A2):c.496C>T (p.Arg166Cys)

Genes: EEF1A2 (eukaryotic translation elongation factor 1 alpha 2; minus strand), LOC132090595 (Neanderthal introgressed variant-containing enhancer experimental_60987; plus strand). Cytogenetic location: 20q13.33.
Variant type: single nucleotide variant.
Coding change: c.496C>T on transcript NM_001958.5 (MANE Select); coding-DNA position 496, C replaced by T.
Protein change: p.Arg166Cys; replaces arginine 166 with cysteine.
Molecular consequence: missense variant.
Genome position (GRCh38, 1-based): chr20:63,494,930, G>A on the plus strand (C>T on the coding strand, the complement: EEF1A2 is on the minus strand). VCF-style: chr20-63494930-G-A. GRCh37 (hg19) VCF-style: chr20-62126283-G-A.
Other names: c.496C>T (NM_001958.3); short protein forms R166C.
Identifiers: ClinVar variation 2780449 (VCV002780449.5), dbSNP rs2516783191, ClinGen allele CA409649618.
Genomic context (GRCh38, chr20:63,494,930, plus strand): 5'-CCGGGTTGTAGCCGATCTTCTTGATGTAGGCGCTGACTTCCTTGACGATCTCGTCGTAGC[G>A]CTTCTCGCTGTAGGCCGGCTCTGTGGAGTCCATTTTGTTCACGCCCACGATGAGCTGCTT-3'
Protein context (NP_001949.1, residues 156-176): DSTEPAYSEK[Arg166Cys]YDEIVKEVSA